The following is an entry in ClinVar:

ClinVar aggregate classification (germline): Uncertain significance. Review status: criteria provided, multiple submitters, no conflicts (2 of 4 stars). 2 submissions from 2 submitters: Uncertain significance (2). Last evaluated 2024-07-22.

Allele frequency attached by ClinVar (database versions not stated): gnomAD exomes below 0.00001; ExAC 0.00001.
gnomAD v4.1: 1 of 1,608,472 alleles (0.000062%); highest among the groups gnomAD compares: Admixed American, 0.0017%; no homozygotes.

Submissions (2):

Blueprint Genetics
Classification: Uncertain significance. Last evaluated: 2024-07-22. Review status: criteria provided, single submitter. Criteria: ACMG Guidelines, 2015. Collection method: clinical testing. Allele origin: germline.

Labcorp Genetics (formerly Invitae), Labcorp
Classification: Uncertain significance. Last evaluated: 2022-06-11. Review status: criteria provided, single submitter. Criteria: Invitae Variant Classification Sherloc (09022015). Collection method: clinical testing. Allele origin: germline.
Comment: This sequence change replaces isoleucine, which is neutral and non-polar, with threonine, which is neutral and polar, at codon 366 of the LOX protein (p.Ile366Thr). This variant is present in population databases (rs762424348, gnomAD 0.003%). This missense change has been observed in individual(s) with clinical features of LOX-related conditions (Invitae). Algorithms developed to predict the effect of missense changes on protein structure and function are either unavailable or do not agree on the potential impact of this missense change (SIFT: "Not Available"; PolyPhen-2: "Probably Damaging"; Align-GVGD: "Not Available"). In summary, the available evidence is currently insufficient to determine the role of this variant in disease. Therefore, it has been classified as a Variant of Uncertain Significance.

NM_002317.7(LOX):c.1097T>C (p.Ile366Thr)

Genes: LOX (lysyl oxidase; minus strand), SRFBP1 (serum response factor binding protein 1; plus strand). Cytogenetic location: 5q23.1.
Variant type: single nucleotide variant.
Coding change: c.1097T>C on transcript NM_002317.7 (MANE Select); coding-DNA position 1097, T replaced by C.
Protein change: p.Ile366Thr; replaces isoleucine 366 with threonine.
Molecular consequence: missense variant.
Genome position (GRCh38, 1-based): chr5:122,070,528, A>G on the plus strand (T>C on the coding strand, the complement: LOX is on the minus strand). VCF-style: chr5-122070528-A-G. GRCh37 (hg19) VCF-style: chr5-121406223-A-G.
Other names: c.407T>C, p.Ile136Thr (NM_001178102.2); c.206T>C, p.Ile69Thr (NM_001317073.1); short protein forms I366T, I69T, I136T.
Identifiers: ClinVar variation 1380595 (VCV001380595.9), dbSNP rs762424348, ClinGen allele CA3383851.
Genomic context (GRCh38, chr5:122,070,528, plus strand): 5'-TATGATATATTTTCAAAGGTCTTTACCTTTAGGATATAGTTTCCAGGTTTTACATCTGTA[A>G]TATCAATCCACTGGCAGTCTATGTCTGCACCATAGGTATCATAACAGCCAGGACTCAATC-3'
Protein context (NP_002308.2, residues 356-376): GADIDCQWID[Ile366Thr]TDVKPGNYIL